The following is an entry in ClinVar:

ClinVar aggregate classification (germline): Uncertain significance (1 of 4 stars; one submission).

gnomAD v4.1: 1 of 1,614,094 alleles (0.000062%); highest among the groups gnomAD compares: Non-Finnish European, 0.000085%; no homozygotes.

Submission:

CeGaT Center for Human Genetics Tuebingen
Classification: Uncertain significance. Last evaluated: 2025-03-01. Review status: criteria provided, single submitter. Criteria: CeGaT Center For Human Genetics Tuebingen Variant Classification Criteria Version 2. Collection method: clinical testing. Allele origin: germline. Affected: yes. Observed: 1 variant allele.
Comment: CDH2: PM2

NM_001792.5(CDH2):c.1483C>T (p.Pro495Ser)

Gene: CDH2 (cadherin 2; minus strand). Cytogenetic location: 18q12.1.
Variant type: single nucleotide variant.
Coding change: c.1483C>T on transcript NM_001792.5 (MANE Select); coding-DNA position 1483, C replaced by T.
Protein change: p.Pro495Ser; replaces proline 495 with serine.
Molecular consequence: missense variant.
Genome position (GRCh38, 1-based): chr18:27,990,212, G>A on the plus strand (C>T on the coding strand, the complement: CDH2 is on the minus strand). VCF-style: chr18-27990212-G-A. GRCh37 (hg19) VCF-style: chr18-25570176-G-A.
Other names: c.1390C>T, p.Pro464Ser (NM_001308176.2); short protein forms P464S, P495S.
Identifiers: ClinVar variation 3777885 (VCV003777885.7).